The following is an entry in ClinVar:

ClinVar aggregate classification (germline): Uncertain significance. Review status: criteria provided, multiple submitters, no conflicts (2 of 4 stars). 3 submissions from 3 submitters: Uncertain significance (2). 1 of the submissions does not count toward it. Last evaluated 2019-09-15.

Conditions:
Bardet-Biedl syndrome 1 (BBS1). Identifiers: MedGen C2936862, MONDO:0008854, OMIM 209900. Disease mechanism: loss of function.
Bardet-Biedl syndrome (BBS). Identifiers: Orphanet 110, MedGen C0752166, MONDO:0015229.

Allele frequency attached by ClinVar (database versions not stated): gnomAD exomes 0.00001.
gnomAD v4.1: 7 of 1,599,048 alleles (0.00044%); highest among the groups gnomAD compares: Middle Eastern, 0.018%; no homozygotes.

Submissions (3):

Labcorp Genetics (formerly Invitae), Labcorp
Classification: Uncertain significance for Bardet-Biedl syndrome. Last evaluated: 2019-09-15. Review status: criteria provided, single submitter. Criteria: Invitae Variant Classification Sherloc (09022015). Collection method: clinical testing. Allele origin: germline.
Comment: This sequence change replaces arginine with glutamine at codon 570 of the BBS1 protein (p.Arg570Gln). The arginine residue is moderately conserved and there is a small physicochemical difference between arginine and glutamine. In summary, the available evidence is currently insufficient to determine the role of this variant in disease. Therefore, it has been classified as a Variant of Uncertain Significance. Algorithms developed to predict the effect of missense changes on protein structure and function are either unavailable or do not agree on the potential impact of this missense change (SIFT: "Tolerated"; PolyPhen-2: "Possibly Damaging"; Align-GVGD: "Class C0"). This variant has not been reported in the literature in individuals with BBS1-related conditions. This variant is not present in population databases (ExAC no frequency).

Illumina Laboratory Services, Illumina
Classification: Uncertain significance for Bardet-Biedl syndrome 1. Last evaluated: 2018-01-13. Review status: criteria provided, single submitter. Criteria: ICSL Variant Classification Criteria 13 December 2019. Collection method: clinical testing. Allele origin: germline.

Natera, Inc.
Classification: Uncertain significance for Bardet-Biedl syndrome type 1. Last evaluated: 2020-02-03. Review status: no assertion criteria provided. Collection method: clinical testing. Allele origin: germline. Not counted in ClinVar's aggregate classification.

NM_024649.5(BBS1):c.1709G>A (p.Arg570Gln)

Genes: BBS1 (Bardet-Biedl syndrome 1; plus strand), ZDHHC24 (zDHHC palmitoyltransferase 24; minus strand). Cytogenetic location: 11q13.2.
Variant type: single nucleotide variant.
Coding change: c.1709G>A on transcript NM_024649.5 (MANE Select); coding-DNA position 1709, G replaced by A.
Protein change: p.Arg570Gln; replaces arginine 570 with glutamine.
Molecular consequence: missense variant. On other transcripts: intron variant (1).
Genome position (GRCh38, 1-based): chr11:66,531,964, G>A. VCF-style: chr11-66531964-G-A. GRCh37 (hg19) VCF-style: chr11-66299435-G-A.
Other names: c.560-2476C>T (NM_001348571.2); short protein forms R570Q.
Identifiers: ClinVar variation 879936 (VCV000879936.25), dbSNP rs1856803176, ClinGen allele CA381426483.